The following is an entry in ClinVar:

ClinVar aggregate classification (germline): Likely pathogenic. Review status: criteria provided, multiple submitters, no conflicts (2 of 4 stars). 2 submissions from 2 submitters: Likely pathogenic (2). Last evaluated 2025-05-05.

Conditions:
Basal ganglia calcification, idiopathic, 7, autosomal recessive. Also called: PRIMARY FAMILIAL BRAIN CALCIFICATION 7, AUTOSOMAL RECESSIVE. Identifiers: MedGen C5193025, MONDO:0032673, OMIM 618317.

Submissions (2):

First Genomix Gene Laboratory, Genetic Diagnostics Department
Classification: Likely pathogenic for Basal ganglia calcification, idiopathic, 7, autosomal recessive. Last evaluated: 2025-05-05. Review status: criteria provided, single submitter. Criteria: ACMG Guidelines, 2015. Collection method: clinical testing. Allele origin: germline. Inheritance: Autosomal recessive inheritance. Affected: no. Observed: 1 variant allele.

Revvity Omics, Revvity
Classification: Likely pathogenic for Basal ganglia calcification, idiopathic, 7, autosomal recessive. Last evaluated: 2024-09-03. Review status: criteria provided, single submitter. Criteria: ACMG Guidelines, 2015. Collection method: clinical testing. Allele origin: germline.

NM_020702.5(MYORG):c.1270_1277dup (p.Trp426fs)

Gene: MYORG (myogenesis regulating glycosidase; minus strand). Cytogenetic location: 9p13.3.
Variant type: Microsatellite.
Coding change: c.1270_1277dup on transcript NM_020702.5 (MANE Select); coding-DNA positions 1270 to 1277, 8 bases duplicated (CGCTGGTG; older notation c.1270_1277dupCGCTGGTG).
Protein change: p.Trp426fs; shifts the reading frame from tryptophan 426.
Molecular consequence: frameshift variant.
Genome position (GRCh38, 1-based): chr9:34,371,667-34,371,674, CACCAGCG duplicated on the plus strand (CGCTGGTG on the coding strand, the reverse complement: MYORG is on the minus strand); duplicating any 8 consecutive bases within chr9:34,371,667-34,371,684 gives the same sequence; the c. name uses the placement nearest the transcript's 3' end. VCF-style (leftmost placement, unchanged base first): chr9-34371666-C-CCACCAGCG. GRCh37 (hg19) VCF-style: chr9-34371664-C-CCACCAGCG.
Other names: c.1270_1277dupCGCTGGTG (NM_020702.5); short protein forms W426fs.
Identifiers: ClinVar variation 4081526 (VCV004081526.2).